The following is an entry in ClinVar:

NM_007186.6(CEP250):c.5975G>A (p.Arg1992His)

Gene: CEP250 (centrosomal protein 250; plus strand). Cytogenetic location: 20q11.22.
Variant type: single nucleotide variant.
Coding change: c.5975G>A on transcript NM_007186.6 (MANE Select); coding-DNA position 5975, G replaced by A.
Protein change: p.Arg1992His; replaces arginine 1992 with histidine.
Molecular consequence: missense variant.
Genome position (GRCh38, 1-based): chr20:35,504,344, G>A. VCF-style: chr20-35504344-G-A. GRCh37 (hg19) VCF-style: chr20-34092172-G-A.
Other names: c.4079G>A, p.Arg1360His (NM_001318219.1); c.5975G>A (NM_007186.3); short protein forms R1360H, R1992H.
Identifiers: ClinVar variation 1045700 (VCV001045700.13), dbSNP rs760800311, ClinGen allele CA9833977.

ClinVar aggregate classification (germline): Uncertain significance. Review status: criteria provided, multiple submitters, no conflicts (2 of 4 stars). 3 submissions from 3 submitters: Uncertain significance (2). 1 of the submissions does not count toward it. Last evaluated 2025-09-15.

Conditions:
Retinal dystrophy. Also called: Inherited retinal dystrophy. Identifiers: Orphanet 71862, MedGen C0854723, MeSH D058499, MONDO:0019118, HP:0000556.

Allele frequency attached by ClinVar (database versions not stated): gnomAD 0.00001; gnomAD exomes 0.00001; TOPMed 0.00002; ExAC 0.00006.
gnomAD v4.1: 19 of 1,593,598 alleles (0.0012%); highest among the groups gnomAD compares: African/African-American, 0.0054%; no homozygotes.

Submissions (3):

Labcorp Genetics (formerly Invitae), Labcorp
Classification: Uncertain significance. Last evaluated: 2025-09-15. Review status: criteria provided, single submitter. Criteria: Invitae Variant Classification Sherloc (09022015). Collection method: clinical testing. Allele origin: germline.
Comment: This sequence change replaces arginine, which is basic and polar, with histidine, which is basic and polar, at codon 1992 of the CEP250 protein (p.Arg1992His). The frequency data for this variant in the population databases is considered unreliable, as metrics indicate poor data quality at this position in the gnomAD database. This variant has not been reported in the literature in individuals affected with CEP250-related conditions. ClinVar contains an entry for this variant (Variation ID: 1045700). An algorithm developed to predict the effect of missense changes on protein structure and function outputs the following: PolyPhen-2: "Benign". The histidine amino acid residue is found in multiple mammalian species, which suggests that this missense change does not adversely affect protein function. In summary, the available evidence is currently insufficient to determine the role of this variant in disease. Therefore, it has been classified as a Variant of Uncertain Significance.

Ambry Genetics
Classification: Uncertain significance. Last evaluated: 2021-08-16. Review status: criteria provided, single submitter. Criteria: Ambry Variant Classification Scheme 2023. Collection method: clinical testing. Allele origin: germline.

Institute of Human Genetics, Univ. Regensburg, Univ. Regensburg
Classification: Uncertain significance for Retinal dystrophy. Last evaluated: 2023-01-01. Review status: no assertion criteria provided. Criteria: ACMG Guidelines, 2015. Collection method: clinical testing. Allele origin: germline. Affected: yes. Not counted in ClinVar's aggregate classification.